The following is an entry in ClinVar:

ClinVar aggregate classification (germline): Uncertain significance. Review status: criteria provided, multiple submitters, no conflicts (2 of 4 stars). 2 submissions from 2 submitters: Uncertain significance (2). Last evaluated 2022-09-01.

Allele frequency attached by ClinVar (database versions not stated): ESP Exome Variant Server 0.00015.
gnomAD v4.1: 47 of 1,611,630 alleles (0.0029%); highest among the groups gnomAD compares: African/African-American, 0.016%; no homozygotes.

Submissions (2):

Labcorp Genetics (formerly Invitae), Labcorp
Classification: Uncertain significance. Last evaluated: 2022-09-01. Review status: criteria provided, single submitter. Criteria: Invitae Variant Classification Sherloc (09022015). Collection method: clinical testing. Allele origin: germline.
Comment: This sequence change replaces alanine, which is neutral and non-polar, with serine, which is neutral and polar, at codon 1090 of the LAMC3 protein (p.Ala1090Ser). This variant is present in population databases (rs374180120, gnomAD 0.1%). This variant has not been reported in the literature in individuals affected with LAMC3-related conditions. ClinVar contains an entry for this variant (Variation ID: 1417081). Algorithms developed to predict the effect of missense changes on protein structure and function output the following: SIFT: "Tolerated"; PolyPhen-2: "Benign"; Align-GVGD: "Class C0". The serine amino acid residue is found in multiple mammalian species, which suggests that this missense change does not adversely affect protein function. In summary, the available evidence is currently insufficient to determine the role of this variant in disease. Therefore, it has been classified as a Variant of Uncertain Significance.

Breakthrough Genomics
Classification: Uncertain significance. Review status: criteria provided, single submitter. Criteria: ACMG Guidelines, 2015. Collection method: not provided. Allele origin: germline. Inheritance: Autosomal recessive inheritance. Affected: yes.

NM_006059.4(LAMC3):c.3268G>T (p.Ala1090Ser)

Gene: LAMC3 (laminin subunit gamma 3; plus strand). Cytogenetic location: 9q34.12.
Variant type: single nucleotide variant.
Coding change: c.3268G>T on transcript NM_006059.4 (MANE Select); coding-DNA position 3268, G replaced by T.
Protein change: p.Ala1090Ser; replaces alanine 1090 with serine.
Molecular consequence: missense variant.
Genome position (GRCh38, 1-based): chr9:131,072,686, G>T. VCF-style: chr9-131072686-G-T. GRCh37 (hg19) VCF-style: chr9-133948073-G-T.
Other names: short protein forms A1090S.
Identifiers: ClinVar variation 1417081 (VCV001417081.4), dbSNP rs374180120, ClinGen allele CA5287738.